The following is an entry in ClinVar:

ClinVar aggregate classification (germline): Likely benign. Review status: criteria provided, multiple submitters, no conflicts (2 of 4 stars). 5 submissions from 5 submitters: Likely benign (4). 1 of the submissions does not count toward it. Last evaluated 2026-01-19.

Conditions:
RCBTB1-related disorder. Also called: RCBTB1-related condition.

Allele frequency attached by ClinVar (database versions not stated): 1000 Genomes Project 30x 0.00031; 1000 Genomes Project 0.00040; gnomAD 0.00074; TOPMed 0.00077; ESP Exome Variant Server 0.00092.
gnomAD v4.1: 1,706 of 1,614,046 alleles (0.11%); highest among the groups gnomAD compares: Non-Finnish European, 0.13%; 2 homozygotes.

Submissions (5):

Labcorp Genetics (formerly Invitae), Labcorp
Classification: Likely benign. Last evaluated: 2026-01-19. Review status: criteria provided, single submitter. Criteria: Invitae Variant Classification Sherloc (09022015). Collection method: clinical testing. Allele origin: germline.

Blueprint Genetics
Classification: Likely benign. Last evaluated: 2024-11-12. Review status: criteria provided, single submitter. Criteria: ACMG Guidelines, 2015. Collection method: clinical testing. Allele origin: germline.

CeGaT Center for Human Genetics Tuebingen
Classification: Likely benign. Last evaluated: 2024-07-01. Review status: criteria provided, single submitter. Criteria: CeGaT Center For Human Genetics Tuebingen Variant Classification Criteria Version 2. Collection method: clinical testing. Allele origin: germline. Affected: yes. Observed: 3 variant alleles.
Comment: RCBTB1: BP4, BP7

Breakthrough Genomics
Classification: Likely benign. Review status: criteria provided, single submitter. Criteria: ACMG Guidelines, 2015. Collection method: not provided. Allele origin: germline. Inheritance: Autosomal recessive inheritance. Affected: yes.

PreventionGenetics, part of Exact Sciences
Classification: Likely benign for RCBTB1-related condition. Last evaluated: 2019-06-19. Review status: no assertion criteria provided. Collection method: clinical testing. Allele origin: germline. Not counted in ClinVar's aggregate classification.
Comment: This variant is classified as likely benign based on ACMG/AMP sequence variant interpretation guidelines (Richards et al. 2015 PMID: 25741868, with internal and published modifications).

NM_018191.4(RCBTB1):c.243C>T (p.Tyr81=)

Gene: RCBTB1 (RCC1 and BTB domain containing protein 1; minus strand). Cytogenetic location: 13q14.2.
Variant type: single nucleotide variant.
Coding change: c.243C>T on transcript NM_018191.4 (MANE Select); coding-DNA position 243, C replaced by T.
Protein change: p.Tyr81=; no amino-acid change (tyrosine 81 retained).
Molecular consequence: synonymous variant. On other transcripts: 5 prime UTR variant (1), non-coding transcript variant (2).
Genome position (GRCh38, 1-based): chr13:49,566,652, G>A on the plus strand (C>T on the coding strand, the complement: RCBTB1 is on the minus strand). VCF-style: chr13-49566652-G-A. GRCh37 (hg19) VCF-style: chr13-50140788-G-A.
Other names: c.243C>T (NM_018191.3); c.243C>T, p.Tyr81= (NM_001352500.2, NM_001352501.2, NM_001352502.2 and 3 more transcripts); c.-367C>T (NM_001352506.2).
Identifiers: ClinVar variation 1091379 (VCV001091379.44), dbSNP rs150441748, ClinGen allele CA6982951.